The following is an entry in ClinVar:

NM_006158.5(NEFL):c.649A>C (p.Met217Leu)

Gene: NEFL (neurofilament light chain; minus strand). Cytogenetic location: 8p21.2.
Variant type: single nucleotide variant.
Coding change: c.649A>C on transcript NM_006158.5 (MANE Select); coding-DNA position 649, A replaced by C.
Protein change: p.Met217Leu; replaces methionine 217 with leucine.
Molecular consequence: missense variant.
Genome position (GRCh38, 1-based): chr8:24,955,867, T>G on the plus strand (A>C on the coding strand, the complement: NEFL is on the minus strand). VCF-style: chr8-24955867-T-G. GRCh37 (hg19) VCF-style: chr8-24813381-T-G.
Other names: short protein forms M217L.
Identifiers: ClinVar variation 1952342 (VCV001952342.5), dbSNP rs2486886686, ClinGen allele CA370621942.

ClinVar aggregate classification (germline): Uncertain significance (1 of 4 stars; one submission).

Conditions:
Charcot-Marie-Tooth disease type 2E (CMT2E). Also called: CHARCOT-MARIE-TOOTH DISEASE, AXONAL, TYPE 2E; CHARCOT-MARIE-TOOTH NEUROPATHY, TYPE 2E. Identifiers: Orphanet 99939, MedGen C1843225, MONDO:0011894, OMIM 607684.

Submission:

Labcorp Genetics (formerly Invitae), Labcorp
Classification: Uncertain significance for Charcot-Marie-Tooth disease type 2E. Last evaluated: 2022-04-07. Review status: criteria provided, single submitter. Criteria: Invitae Variant Classification Sherloc (09022015). Collection method: clinical testing. Allele origin: germline.
Comment: Experimental studies and prediction algorithms are not available or were not evaluated, and the functional significance of this variant is currently unknown. In summary, the available evidence is currently insufficient to determine the role of this variant in disease. Therefore, it has been classified as a Variant of Uncertain Significance. This sequence change replaces methionine, which is neutral and non-polar, with leucine, which is neutral and non-polar, at codon 217 of the NEFL protein (p.Met217Leu). This variant is not present in population databases (gnomAD no frequency). This variant has not been reported in the literature in individuals affected with NEFL-related conditions.